The following is an entry in ClinVar:

ClinVar aggregate classification (germline): Uncertain significance. Review status: criteria provided, multiple submitters, no conflicts (2 of 4 stars). 3 submissions from 3 submitters: Uncertain significance (3). Last evaluated 2025-07-14.

Conditions:
Hereditary cancer-predisposing syndrome. Also called: Tumor predisposition; Neoplastic Syndromes, Hereditary; Hereditary Cancer Syndrome; Hereditary neoplastic syndrome. Identifiers: Orphanet 140162, MedGen C0027672, MeSH D009386, MONDO:0015356.
Hereditary diffuse gastric adenocarcinoma (HDGC). Also called: DIFFUSE GASTRIC AND LOBULAR BREAST CANCER SYNDROME. Identifiers: Orphanet 26106, MedGen C1708349, MONDO:0007648, OMIM 137215.

gnomAD v4.1: 1 of 1,614,174 alleles (0.000062%); highest among the groups gnomAD compares: Non-Finnish European, 0.000085%; no homozygotes.

Submissions (3):

Labcorp Genetics (formerly Invitae), Labcorp
Classification: Uncertain significance for Hereditary diffuse gastric adenocarcinoma. Last evaluated: 2025-07-14. Review status: criteria provided, single submitter. Criteria: Invitae Variant Classification Sherloc (09022015). Collection method: clinical testing. Allele origin: germline.
Comment: This sequence change replaces aspartic acid, which is acidic and polar, with histidine, which is basic and polar, at codon 198 of the CDH1 protein (p.Asp198His). This variant is not present in population databases (gnomAD no frequency). This variant has not been reported in the literature in individuals affected with CDH1-related conditions. ClinVar contains an entry for this variant (Variation ID: 479511). An algorithm developed to predict the effect of missense changes on protein structure and function (PolyPhen-2) suggests that this variant is likely to be disruptive. In summary, the available evidence is currently insufficient to determine the role of this variant in disease. Therefore, it has been classified as a Variant of Uncertain Significance.

Ambry Genetics
Classification: Uncertain significance for Hereditary cancer-predisposing syndrome. Last evaluated: 2024-09-30. Review status: criteria provided, single submitter. Criteria: Ambry Variant Classification Scheme 2023. Collection method: clinical testing. Allele origin: germline.
Comment: The p.D198H variant (also known as c.592G>C), located in coding exon 5 of the CDH1 gene, results from a G to C substitution at nucleotide position 592. The aspartic acid at codon 198 is replaced by histidine, an amino acid with similar properties. This amino acid position is well conserved in available vertebrate species. In addition, the in silico prediction for this alteration is inconclusive. Since supporting evidence is limited at this time, the clinical significance of this alteration remains unclear.

Color Diagnostics, LLC DBA Color Health
Classification: Uncertain significance for Hereditary cancer-predisposing syndrome. Last evaluated: 2023-12-05. Review status: criteria provided, single submitter. Criteria: ACMG Guidelines, 2015. Collection method: clinical testing. Allele origin: germline.
Comment: This missense variant replaces aspartic acid with histidine at codon 198 of the CDH1 protein. To our knowledge, functional studies have not been reported for this variant. This variant has not been reported in individuals affected with CDH1-related disorders in the literature. This variant has not been identified in the general population by the Genome Aggregation Database (gnomAD). The available evidence is insufficient to determine the role of this variant in disease conclusively. Therefore, this variant is classified as a Variant of Uncertain Significance.

NM_004360.5(CDH1):c.592G>C (p.Asp198His)

Gene: CDH1 (cadherin 1; plus strand). Cytogenetic location: 16q22.1.
Variant type: single nucleotide variant.
Coding change: c.592G>C on transcript NM_004360.5 (MANE Select); coding-DNA position 592, G replaced by C.
Protein change: p.Asp198His; replaces aspartic acid 198 with histidine.
Molecular consequence: missense variant. On other transcripts: 5 prime UTR variant (2).
Genome position (GRCh38, 1-based): chr16:68,808,753, G>C. VCF-style: chr16-68808753-G-C. GRCh37 (hg19) VCF-style: chr16-68842656-G-C.
Other names: c.592G>C (LRG_301t1); c.592G>C, p.Asp198His (NM_001317184.2); c.-1024G>C (NM_001317185.2); c.-1228G>C (NM_001317186.2); short protein forms D198H.
Identifiers: ClinVar variation 479511 (VCV000479511.21), dbSNP rs1308439785, ClinGen allele CA396457973.